The following is an entry in ClinVar:

ClinVar aggregate classification (germline): Pathogenic. Review status: criteria provided, multiple submitters, no conflicts (2 of 4 stars). 4 submissions from 4 submitters: Pathogenic (4). Last evaluated 2026-01-29.

Conditions:
Glaucoma 3A. Also called: Glaucoma 3, primary congenital, A. Identifiers: Orphanet 98976, Orphanet 98977, MedGen C1856439, MONDO:0009277, OMIM 231300.
Congenital glaucoma. Identifiers: MedGen C0020302, MONDO:0020366.
Anterior segment dysgenesis 6 (ASGD6). Also called: Anterior segment dysgenesis 6, multiple subtypes. Identifiers: MedGen C4310623, MONDO:0015016, OMIM 617315.
Primary congenital glaucoma. Also called: Primary congenital glaucoma (disease). Identifiers: MedGen C1533041, MONDO:0000365, HP:0008007.

Submissions (4):

3billion
Classification: Pathogenic for Glaucoma 3A. Last evaluated: 2026-01-29. Review status: criteria provided, single submitter. Criteria: ACMG Guidelines, 2015. Collection method: clinical testing. Allele origin: germline. Affected: yes.
Comment: The variant is observed at an extremely low frequency in the gnomAD v4.1.0 dataset (total allele frequency: 0.001%). Predicted Consequence/Location: Frameshift: predicted to result in a loss or disruption of normal protein function through nonsense-mediated decay (NMD) or protein truncation. Multiple pathogenic variants are reported downstream of the variant. The variant has been reported at least twice as pathogenic without evidence for the classification (ClinVar ID: VCV001339669 /PMID: 11184479 /3billion dataset). Therefore, this variant is classified as Pathogenic according to the recommendation of ACMG/AMP guideline.

Baylor Genetics
Classification: Pathogenic for Anterior segment dysgenesis 6. Last evaluated: 2024-03-07. Review status: criteria provided, single submitter. Criteria: ACMG Guidelines, 2015. Collection method: clinical testing. Allele origin: unknown.

Labcorp Genetics (formerly Invitae), Labcorp
Classification: Pathogenic for Congenital glaucoma. Last evaluated: 2023-05-09. Review status: criteria provided, single submitter. Criteria: Invitae Variant Classification Sherloc (09022015). Collection method: clinical testing. Allele origin: germline.
Comment: For these reasons, this variant has been classified as Pathogenic. This variant disrupts a region of the CYP1B1 protein in which other variant(s) (p.Arg468_Ser476dup) have been determined to be pathogenic (PMID: 23922489, 27820421, 35085548). This suggests that this is a clinically significant region of the protein, and that variants that disrupt it are likely to be disease-causing. ClinVar contains an entry for this variant (Variation ID: 1339669). This variant is also known as a two base-pair insertion (AT) at the third nucleotide of codon 324. This premature translational stop signal has been observed in individual(s) with primary congenital glaucoma (PMID: 11184479). In at least one individual the data is consistent with being in trans (on the opposite chromosome) from a pathogenic variant. This variant is present in population databases (rs765666893, gnomAD 0.02%). This sequence change creates a premature translational stop signal (p.Thr325Serfs*104) in the CYP1B1 gene. While this is not anticipated to result in nonsense mediated decay, it is expected to disrupt the last 219 amino acid(s) of the CYP1B1 protein.

Women's Health and Genetics/Laboratory Corporation of America, LabCorp
Classification: Pathogenic for Primary congenital glaucoma. Last evaluated: 2022-01-10. Review status: criteria provided, single submitter. Criteria: LabCorp Variant Classification Summary - May 2015. Collection method: clinical testing. Allele origin: germline.
Comment: Variant summary: CYP1B1 c.970_971dupAT (p.Thr325SerfsX104) results in a premature termination codon, predicted to cause a truncation of the encoded protein or absence of the protein due to nonsense mediated decay, which are commonly known mechanisms for disease. Truncations downstream of this position have been classified as pathogenic by our laboratory. The variant allele was found at a frequency of 1.2e-05 in 249052 control chromosomes. c.970_971dupAT has been reported in the literature in multiple individuals affected with Primary Congenital Glaucoma (e.g. Kim_2011). These data indicate that the variant is very likely to be associated with disease. No clinical diagnostic laboratories have submitted clinical-significance assessments for this variant to ClinVar after 2014. Based on the evidence outlined above, the variant was classified as pathogenic.

Literature cited by the submitters: PubMed 11184479 (cited by 3billion and Labcorp Genetics (formerly Invitae), Labcorp); PubMed 23922489 (cited by Labcorp Genetics (formerly Invitae), Labcorp); PubMed 27820421 (cited by Labcorp Genetics (formerly Invitae), Labcorp); PubMed 35085548 (cited by Labcorp Genetics (formerly Invitae), Labcorp); PubMed 21850185 (cited by Women's Health and Genetics/Laboratory Corporation of America, LabCorp).

NM_000104.4(CYP1B1):c.970_971dup (p.Thr325fs)

Gene: CYP1B1 (cytochrome P450 family 1 subfamily B member 1; minus strand). Cytogenetic location: 2p22.2.
Variant type: Duplication.
Coding change: c.970_971dup on transcript NM_000104.4 (MANE Select); coding-DNA positions 970 to 971, 2 bases duplicated (AT; older notation c.970_971dupAT).
Protein change: p.Thr325fs; shifts the reading frame from threonine 325.
Molecular consequence: frameshift variant.
Genome position (GRCh38, 1-based): chr2:38,074,418-38,074,419, AT duplicated on the plus strand (AT on the coding strand, the reverse complement: CYP1B1 is on the minus strand); duplicating any 2 consecutive bases within chr2:38,074,418-38,074,420 gives the same sequence; the c. name uses the placement nearest the transcript's 3' end. VCF-style (leftmost placement, unchanged base first): chr2-38074417-G-GAT. GRCh37 (hg19) VCF-style: chr2-38301560-G-GAT.
Other names: short protein forms T325fs.
Identifiers: ClinVar variation 1339669 (VCV001339669.7), dbSNP rs765666893, ClinGen allele CA1619911.
Genomic context (GRCh38, chr2:38,074,417, plus strand): 5'-GAGGAGCAGCCACTGCAGCGCGGTGGACAGGGTGTCCTGGCTGGCGCCGAAGATGTCAGT[G>GAT]ATAGTGGCCGGTACGTTCTCCAAATCCAGCCGCGCGCCACCACCGTGCGAGTCCCCGGCC-3'